The following is an entry in ClinVar:

ClinVar aggregate classification (germline): Uncertain significance (1 of 4 stars; one submission).

Allele frequency attached by ClinVar (database versions not stated): gnomAD 0.00001 and 0.00003; TOPMed 0.00001; ExAC 0.00002; gnomAD exomes 0.00002 and 0.00006; 1000 Genomes Project 30x 0.00031; 1000 Genomes Project 0.00040.
gnomAD v4.1: 93 of 1,614,190 alleles (0.0058%); highest among the groups gnomAD compares: East Asian, 0.2%; no homozygotes.

Submission:

Labcorp Genetics (formerly Invitae), Labcorp
Classification: Uncertain significance. Last evaluated: 2021-08-24. Review status: criteria provided, single submitter. Criteria: Invitae Variant Classification Sherloc (09022015). Collection method: clinical testing. Allele origin: germline.
Comment: This sequence change replaces glutamic acid with lysine at codon 328 of the IDH3A protein (p.Glu328Lys). The glutamic acid residue is highly conserved and there is a small physicochemical difference between glutamic acid and lysine. This variant is present in population databases (rs139916777, ExAC 0.03%). This variant has not been reported in the literature in individuals affected with IDH3A-related conditions. Algorithms developed to predict the effect of missense changes on protein structure and function are either unavailable or do not agree on the potential impact of this missense change (SIFT: "Deleterious"; PolyPhen-2: "Possibly Damaging"; Align-GVGD: "Class C0"). In summary, the available evidence is currently insufficient to determine the role of this variant in disease. Therefore, it has been classified as a Variant of Uncertain Significance.

NM_005530.3(IDH3A):c.982G>A (p.Glu328Lys)

Gene: IDH3A (isocitrate dehydrogenase (NAD(+)) 3 catalytic subunit alpha; plus strand). Cytogenetic location: 15q25.1.
Variant type: single nucleotide variant.
Coding change: c.982G>A on transcript NM_005530.3 (MANE Select); coding-DNA position 982, G replaced by A.
Protein change: p.Glu328Lys; replaces glutamic acid 328 with lysine.
Molecular consequence: missense variant.
Genome position (GRCh38, 1-based): chr15:78,166,267, G>A. VCF-style: chr15-78166267-G-A. GRCh37 (hg19) VCF-style: chr15-78458609-G-A.
Other names: short protein forms E328K.
Identifiers: ClinVar variation 1038994 (VCV001038994.6), dbSNP rs139916777, ClinGen allele CA7680733.